The following is an entry in ClinVar:

NC_000023.10:g.(?_53349605)_(53410184_?)dup

Genes: IQSEC2 (IQ motif and Sec7 domain ArfGEF 2; minus strand), SMC1A (structural maintenance of chromosomes 1A; minus strand). Cytogenetic location: Xp11.22.
Variant type: Duplication.
Identifiers: ClinVar variation 1023395 (VCV001023395.1).

ClinVar aggregate classification (germline): Uncertain significance (1 of 4 stars; one submission).

Conditions:
Congenital muscular hypertrophy-cerebral syndrome (CDLS2). Also called: SMC1A-Related Cornelia de Lange Syndrome; Cornelia de Lange syndrome 2. Identifiers: Orphanet 199, MedGen C1802395, MONDO:0010370, OMIM 300590.

Submission:

Labcorp Genetics (formerly Invitae), Labcorp
Classification: Uncertain significance for Congenital muscular hypertrophy-cerebral syndrome. Last evaluated: 2020-09-17. Review status: criteria provided, single submitter. Criteria: Invitae Variant Classification Sherloc (09022015). Collection method: clinical testing. Allele origin: germline.
Comment: This variant results in a copy number gain of the genomic region encompassing exons 20-25 of the SMC1A gene. The 5' boundary is likely confined to intron 19. The 3' end of this event is unknown as it extends beyond the assayed region for this gene and therefore may encompass additional genes. As the precise location of this event is unknown, it may be in tandem or it may be located elsewhere in the genome. This variant has not been reported in the literature in individuals with SMC1A-related disease. Experimental studies and prediction algorithms are not available or were not evaluated, and the functional significance of this variant is currently unknown. In summary, the available evidence is currently insufficient to determine the role of this variant in disease. Therefore, it has been classified as a Variant of Uncertain Significance.